The following is an entry in ClinVar:

NM_002900.3(RBP3):c.1442A>C (p.Asn481Thr)

Gene: RBP3 (retinol binding protein 3; plus strand). Cytogenetic location: 10q11.22.
Variant type: single nucleotide variant.
Coding change: c.1442A>C on transcript NM_002900.3 (MANE Select); coding-DNA position 1442, A replaced by C.
Protein change: p.Asn481Thr; replaces asparagine 481 with threonine.
Molecular consequence: missense variant.
Genome position (GRCh38, 1-based): chr10:47,349,926, A>C. VCF-style: chr10-47349926-A-C. GRCh37 (hg19) VCF-style: chr10-48389436-T-G.
Other names: short protein forms N481T.
Identifiers: ClinVar variation 965299 (VCV000965299.10), dbSNP rs782142540, ClinGen allele CA5487521.
Genomic context (GRCh38, chr10:47,349,926, plus strand): 5'-TGCGCCAGGTGTGGGAGCCGCTACAGGACACGGAGCACCTCATCATGGACCTGCGCCACA[A>C]CCCTGGAGGGCCATCCTCTGCTGTGCCCCTGCTCCTGTCCTACTTCCAGGGCCCTGAGGC-3'
Protein context (NP_002891.1, residues 471-491): TEHLIMDLRH[Asn481Thr]PGGPSSAVPL

ClinVar aggregate classification (germline): Uncertain significance. Review status: criteria provided, multiple submitters, no conflicts (2 of 4 stars). 2 submissions from 2 submitters: Uncertain significance (2). Last evaluated 2025-02-24.

Conditions:
Inborn genetic diseases. Identifiers: MedGen C0950123, MeSH D030342.

Allele frequency attached by ClinVar (database versions not stated): gnomAD exomes below 0.00001 and 0.00003; gnomAD 0.00001; TOPMed 0.00001; ExAC 0.00002.
gnomAD v4.1: 8 of 1,611,988 alleles (0.0005%); highest among the groups gnomAD compares: Admixed American, 0.012%; no homozygotes.

Submissions (2):

Ambry Genetics
Classification: Uncertain significance for Inborn genetic diseases. Last evaluated: 2025-02-24. Review status: criteria provided, single submitter. Criteria: Ambry Variant Classification Scheme 2023. Collection method: clinical testing. Allele origin: germline.

Labcorp Genetics (formerly Invitae), Labcorp
Classification: Uncertain significance. Last evaluated: 2022-07-19. Review status: criteria provided, single submitter. Criteria: Invitae Variant Classification Sherloc (09022015). Collection method: clinical testing. Allele origin: germline.
Comment: In summary, the available evidence is currently insufficient to determine the role of this variant in disease. Therefore, it has been classified as a Variant of Uncertain Significance. Algorithms developed to predict the effect of missense changes on protein structure and function are either unavailable or do not agree on the potential impact of this missense change (SIFT: "Deleterious"; PolyPhen-2: "Possibly Damaging"; Align-GVGD: "Class C0"). ClinVar contains an entry for this variant (Variation ID: 965299). This variant has not been reported in the literature in individuals affected with RBP3-related conditions. The frequency data for this variant in the population databases is considered unreliable, as metrics indicate poor data quality at this position in the gnomAD database. This sequence change replaces asparagine, which is neutral and polar, with threonine, which is neutral and polar, at codon 481 of the RBP3 protein (p.Asn481Thr).